The following is an entry in ClinVar:

NM_015450.3(POT1):c.1687G>T (p.Asp563Tyr)

Gene: POT1 (protection of telomeres 1; minus strand). Cytogenetic location: 7q31.33.
Variant type: single nucleotide variant.
Coding change: c.1687G>T on transcript NM_015450.3 (MANE Select); coding-DNA position 1687, G replaced by T.
Protein change: p.Asp563Tyr; replaces aspartic acid 563 with tyrosine.
Molecular consequence: missense variant. On other transcripts: non-coding transcript variant (3).
Genome position (GRCh38, 1-based): chr7:124,825,357, C>A on the plus strand (G>T on the coding strand, the complement: POT1 is on the minus strand). VCF-style: chr7-124825357-C-A. GRCh37 (hg19) VCF-style: chr7-124465411-C-A.
Other names: c.1294G>T, p.Asp432Tyr (NM_001042594.2); short protein forms D432Y, D563Y.
Identifiers: ClinVar variation 1714944 (VCV001714944.6), dbSNP rs2485338751, ClinGen allele CA369062619.

ClinVar aggregate classification (germline): Uncertain significance (1 of 4 stars; one submission).

Conditions:
Tumor predisposition syndrome 3 (TPDS3). Also called: Melanoma, cutaneous malignant, susceptibility to, 10; Glioma susceptibility 9; LONG TELOMERE SYNDROME, POT1-RELATED; POT1 Tumor Predisposition. Identifiers: Orphanet 618, MedGen C4014476, MONDO:0014368, OMIM 615848.

Submission:

Labcorp Genetics (formerly Invitae), Labcorp
Classification: Uncertain significance for Tumor predisposition syndrome 3. Last evaluated: 2022-08-03. Review status: criteria provided, single submitter. Criteria: Invitae Variant Classification Sherloc (09022015). Collection method: clinical testing. Allele origin: germline.
Comment: This sequence change replaces aspartic acid, which is acidic and polar, with tyrosine, which is neutral and polar, at codon 563 of the POT1 protein (p.Asp563Tyr). This variant is not present in population databases (gnomAD no frequency). This variant has not been reported in the literature in individuals affected with POT1-related conditions. Algorithms developed to predict the effect of missense changes on protein structure and function (SIFT, PolyPhen-2, Align-GVGD) all suggest that this variant is likely to be disruptive. Algorithms developed to predict the effect of sequence changes on RNA splicing suggest that this variant may create or strengthen a splice site. In summary, the available evidence is currently insufficient to determine the role of this variant in disease. Therefore, it has been classified as a Variant of Uncertain Significance.